The following is an entry in ClinVar:

ClinVar aggregate classification (germline): Pathogenic/Likely pathogenic. Review status: criteria provided, multiple submitters, no conflicts (2 of 4 stars). 2 submissions from 2 submitters: Pathogenic (1); Likely pathogenic (1). Last evaluated 2024-01-15.

Conditions:
Nonsyndromic genetic hearing loss. Also called: Nonsyndromic hearing loss and deafness; Non-syndromic genetic deafness; Nonsyndromic genetic deafness. Identifiers: Orphanet 87884, MedGen C5680182, MONDO:0019497.

Allele frequency attached by ClinVar (database versions not stated): ExAC 0.00001; gnomAD exomes 0.00001; TOPMed 0.00001; gnomAD 0.00002.
gnomAD v4.1: 18 of 1,614,060 alleles (0.0011%); highest among the groups gnomAD compares: Non-Finnish European, 0.0014%; no homozygotes.

Submissions (2):

Labcorp Genetics (formerly Invitae), Labcorp
Classification: Pathogenic. Last evaluated: 2024-01-15. Review status: criteria provided, single submitter. Criteria: Invitae Variant Classification Sherloc (09022015). Collection method: clinical testing. Allele origin: germline.
Comment: This sequence change creates a premature translational stop signal (p.Trp1889*) in the OTOF gene. It is expected to result in an absent or disrupted protein product. Loss-of-function variants in OTOF are known to be pathogenic (PMID: 18381613, 19250381, 22575033). This variant is present in population databases (rs747471303, gnomAD 0.003%). This variant has not been reported in the literature in individuals affected with OTOF-related conditions. ClinVar contains an entry for this variant (Variation ID: 2501018). For these reasons, this variant has been classified as Pathogenic.

Women's Health and Genetics/Laboratory Corporation of America, LabCorp
Classification: Likely pathogenic for Nonsyndromic genetic hearing loss. Last evaluated: 2023-03-15. Review status: criteria provided, single submitter. Criteria: LabCorp Variant Classification Summary - May 2015. Collection method: clinical testing. Allele origin: germline.
Comment: Variant summary: OTOF c.5667G>A (p.Trp1889X) results in a premature termination codon, predicted to cause a truncation of the encoded protein or absence of the protein due to nonsense mediated decay, which are commonly known mechanisms for disease. Truncations downstream of this position have been classified as pathogenic in ClinVar and have been reported in association with non-syndromic deafness in HGMD. The variant allele was found at a frequency of 1.2e-05 in 251390 control chromosomes. The available data on variant occurrences in the general population are insufficient to allow any conclusion about variant significance. To our knowledge, no occurrence of c.5667G>A in individuals affected with Nonsyndromic Hearing Loss And Deafness, Type 9 and no experimental evidence demonstrating its impact on protein function have been reported. No clinical diagnostic laboratories have submitted clinical-significance assessments for this variant to ClinVar after 2014. Based on the evidence outlined above, the variant was classified as likely pathogenic.

Literature cited by the submitters: PubMed 18381613 (cited by Labcorp Genetics (formerly Invitae), Labcorp); PubMed 19250381 (cited by Labcorp Genetics (formerly Invitae), Labcorp); PubMed 22575033 (cited by Labcorp Genetics (formerly Invitae), Labcorp).

NM_194248.3(OTOF):c.5667G>A (p.Trp1889Ter)

Gene: OTOF (otoferlin; minus strand). Cytogenetic location: 2p23.3.
Variant type: single nucleotide variant.
Coding change: c.5667G>A on transcript NM_194248.3 (MANE Select); coding-DNA position 5667, G replaced by A.
Protein change: p.Trp1889Ter; replaces tryptophan 1889 with a stop codon.
Molecular consequence: nonsense.
Genome position (GRCh38, 1-based): chr2:26,460,897, C>T on the plus strand (G>A on the coding strand, the complement: OTOF is on the minus strand). VCF-style: chr2-26460897-C-T. GRCh37 (hg19) VCF-style: chr2-26683765-C-T.
Other names: c.5667G>A, p.Trp1889Ter (NM_001287489.2); c.3366G>A, p.Trp1122Ter (NM_004802.4, NM_194323.3); c.3597G>A, p.Trp1199Ter (NM_194322.3); short protein forms W1122*, W1199*, W1889*.
Identifiers: ClinVar variation 2501018 (VCV002501018.4), dbSNP rs747471303, ClinGen allele CA1562754.